The following is an entry in ClinVar:

ClinVar aggregate classification (germline): Likely pathogenic (1 of 4 stars; one submission).

Conditions:
Silver-Russell syndrome 5 (SRS5). Identifiers: MedGen C5394456, MONDO:0020795, OMIM 618908.

Submission:

Victorian Clinical Genetics Services, Murdoch Childrens Research Institute
Classification: Likely pathogenic for Silver-Russell syndrome 5. Last evaluated: 2025-02-07. Review status: criteria provided, single submitter. Criteria: ACMG Guidelines, 2015. Collection method: clinical testing. Allele origin: germline. Affected: yes.
Comment: This variant is classified as Likely pathogenic. Evidence in support of pathogenic classification: Canonical splice site variant without proven consequence on splicing (no functional evidence available); Variant is absent from gnomAD (v2, v3 and v4); This variant has moderate previous evidence of pathogenicity in an unrelated individual. This variant has been classified as likely pathogenic by a clinical laboratory, identified as de novo in a fetus with shortening of all long bones (LOVD personal correspondence); Abnormal splicing is predicted by in silico tool and affected nucleotide is highly conserved. Additional information: This variant is heterozygous; This gene is associated with autosomal dominant disease; Alternative nucleotide change(s) at the same canonical splice site are present in gnomAD (Highest allele count: v4: 1 heterozygote(s), 0 homozygote(s)) ; No published segregation evidence has been identified for this variant; No published functional evidence has been identified for this variant; No comparable splice site variants have previous evidence for pathogenicity; Loss of function is a known mechanism of disease in this gene and is associated with Silver-Russell syndrome 5 (MIM#618908); Parental origin of the variant is unresolved.

NM_003483.6(HMGA2):c.112-2A>G

Gene: HMGA2 (high mobility group AT-hook 2; plus strand). Cytogenetic location: 12q14.3.
Variant type: single nucleotide variant.
Coding change: c.112-2A>G on transcript NM_003483.6 (MANE Select); the canonical splice acceptor site of the intron before coding-DNA position 112, A replaced by G.
Molecular consequence: splice acceptor variant.
Genome position (GRCh38, 1-based): chr12:65,827,999, A>G. VCF-style: chr12-65827999-A-G. GRCh37 (hg19) VCF-style: chr12-66221779-A-G.
Other names: c.112-2A>G (NM_001300918.1, NM_001300919.1, NM_003484.1 and 1 more transcripts).
Identifiers: ClinVar variation 4531432 (VCV004531432.1).